The following is an entry in ClinVar:

ClinVar aggregate classification (germline): Uncertain significance. Review status: criteria provided, multiple submitters, no conflicts (2 of 4 stars). 2 submissions from 2 submitters: Uncertain significance (2). Last evaluated 2025-05-06.

Conditions:
Emery-Dreifuss muscular dystrophy 5, autosomal dominant (EDMD5). Also called: EMERY-DREIFUSS MUSCULAR DYSTROPHY 5. Identifiers: Orphanet 261, MedGen C2751805, MONDO:0013072, OMIM 612999.

Allele frequency attached by ClinVar (database versions not stated): ExAC 0.00001; gnomAD 0.00001; gnomAD exomes 0.00001; TOPMed 0.00004.
gnomAD v4.1: 41 of 1,614,006 alleles (0.0025%); highest among the groups gnomAD compares: Admixed American, 0.0083%; no homozygotes.

Submissions (2):

Revvity Omics, Revvity
Classification: Uncertain significance for Emery-Dreifuss muscular dystrophy 5, autosomal dominant. Last evaluated: 2025-05-06. Review status: criteria provided, single submitter. Criteria: ACMG Guidelines, 2015. Collection method: clinical testing. Allele origin: germline.

Labcorp Genetics (formerly Invitae), Labcorp
Classification: Uncertain significance for Emery-Dreifuss muscular dystrophy 5, autosomal dominant. Last evaluated: 2022-03-18. Review status: criteria provided, single submitter. Criteria: Invitae Variant Classification Sherloc (09022015). Collection method: clinical testing. Allele origin: germline.
Comment: Algorithms developed to predict the effect of missense changes on protein structure and function are either unavailable or do not agree on the potential impact of this missense change (SIFT: "Tolerated"; PolyPhen-2: "Probably Damaging"; Align-GVGD: "Class C0"). This sequence change replaces phenylalanine, which is neutral and non-polar, with isoleucine, which is neutral and non-polar, at codon 2525 of the SYNE2 protein (p.Phe2525Ile). This variant is present in population databases (rs202017993, gnomAD 0.009%). This variant has not been reported in the literature in individuals affected with SYNE2-related conditions. In summary, the available evidence is currently insufficient to determine the role of this variant in disease. Therefore, it has been classified as a Variant of Uncertain Significance.

NM_182914.3(SYNE2):c.7573T>A (p.Phe2525Ile)

Gene: SYNE2 (spectrin repeat containing nuclear envelope protein 2; plus strand). Cytogenetic location: 14q23.2.
Variant type: single nucleotide variant.
Coding change: c.7573T>A on transcript NM_182914.3 (MANE Select); coding-DNA position 7573, T replaced by A.
Protein change: p.Phe2525Ile; replaces phenylalanine 2525 with isoleucine.
Molecular consequence: missense variant.
Genome position (GRCh38, 1-based): chr14:64,049,806, T>A. VCF-style: chr14-64049806-T-A. GRCh37 (hg19) VCF-style: chr14-64516524-T-A.
Other names: c.7573T>A (NM_182914.2); c.7573T>A, p.Phe2525Ile (NM_015180.6); short protein forms F2525I.
Identifiers: ClinVar variation 1501239 (VCV001501239.9), dbSNP rs202017993, ClinGen allele CA7220965.